The following is an entry in ClinVar:

NM_001369.3(DNAH5):c.12379_12380insAGATGTGTATAAGAGACAG (p.Arg4127fs)

Gene: DNAH5 (dynein axonemal heavy chain 5; minus strand). Cytogenetic location: 5p15.2.
Variant type: Insertion.
Coding change: c.12379_12380insAGATGTGTATAAGAGACAG on transcript NM_001369.3 (MANE Select); coding-DNA positions 12379 to 12380, AGATGTGTATAAGAGACAG inserted.
Protein change: p.Arg4127fs; shifts the reading frame from arginine 4127.
Molecular consequence: frameshift variant.
Genome position: GRCh38 VCF-style: chr5-13719001-C-CCTGTCTCTTATACACATCT. GRCh37 (hg19) VCF-style: chr5-13719110-C-CCTGTCTCTTATACACATCT.
Other names: short protein forms R4127fs.
Identifiers: ClinVar variation 5010776 (VCV005010776.1).
Genomic context (GRCh38, chr5:13,719,001, plus strand): 5'-ATGGACATCTGAAGGAGTGTAATGGGAAACTGCTTATGAGCCTCGGTGGTCATCCAGAGG[C>CCTGTCTCTTATACACATCT]GGAACGCATCATGTACAAGCTCAGTTTCTATGATTATGTCCATCAGCTCATCCATGAAAT-3'

ClinVar aggregate classification (germline): Pathogenic (1 of 4 stars; one submission).

Conditions:
Primary ciliary dyskinesia 3. Identifiers: Orphanet 244, MedGen C1837618, MONDO:0012085, OMIM 608644.

Submission:

Myriad Genetics, Inc.
Classification: Pathogenic for Primary ciliary dyskinesia 3. Last evaluated: 2024-05-14. Review status: criteria provided, single submitter. Criteria: Myriad Autosomal Dominant, Autosomal Recessive and X-Linked Classification Criteria (2023). Collection method: clinical testing. Allele origin: unknown.
Comment: NM_001369.2(DNAH5):c.12379_12380ins19(R4127Qfs*16) is expected to be pathogenic in the context of primary ciliary dyskinesia, DNAH5-related. This variant is predicted to lead to an abnormal or absent protein product due to the creation of a premature termination codon in DNAH5, a gene where loss-of-function variants are known to be pathogenic. Please note: this variant was assessed in the context of healthy population screening.